The following is an entry in ClinVar:

NM_002047.4(GARS1):c.1779C>A (p.Phe593Leu)

Gene: GARS1 (glycyl-tRNA synthetase 1; plus strand). Cytogenetic location: 7p14.3.
Variant type: single nucleotide variant.
Coding change: c.1779C>A on transcript NM_002047.4 (MANE Select); coding-DNA position 1779, C replaced by A.
Protein change: p.Phe593Leu; replaces phenylalanine 593 with leucine.
Molecular consequence: missense variant.
Genome position (GRCh38, 1-based): chr7:30,628,639, C>A. VCF-style: chr7-30628639-C-A. GRCh37 (hg19) VCF-style: chr7-30668255-C-A.
Other names: p.Phe593Leu; c.1779C>A (LRG_243t1); c.1617C>A, p.Phe539Leu (NM_001316772.1); short protein forms F593L, F539L.
Identifiers: ClinVar variation 246652 (VCV000246652.11), dbSNP rs372368483, ClinGen allele CA4206070.

ClinVar aggregate classification (germline): Uncertain significance. Review status: criteria provided, multiple submitters, no conflicts (2 of 4 stars). 2 submissions from 2 submitters: Uncertain significance (2). Last evaluated 2021-06-26.

Conditions:
Charcot-Marie-Tooth disease type 2. Also called: Charcot-Marie-Tooth type 2. Identifiers: Orphanet 64746, MedGen C0270914, MONDO:0018993.

Allele frequency attached by ClinVar (database versions not stated): ExAC 0.00002; ESP Exome Variant Server 0.00008; gnomAD exomes 0.00002; gnomAD 0.00004; TOPMed 0.00006.
gnomAD v4.1: 13 of 1,611,554 alleles (0.00081%); highest among the groups gnomAD compares: African/African-American, 0.013%; no homozygotes.

Submissions (2):

Labcorp Genetics (formerly Invitae), Labcorp
Classification: Uncertain significance for Charcot-Marie-Tooth disease type 2. Last evaluated: 2021-06-26. Review status: criteria provided, single submitter. Criteria: Invitae Variant Classification Sherloc (09022015). Collection method: clinical testing. Allele origin: germline.
Comment: This sequence change replaces phenylalanine with leucine at codon 593 of the GARS protein (p.Phe593Leu). The phenylalanine residue is highly conserved and there is a small physicochemical difference between phenylalanine and leucine. In summary, this is a rare missense change with uncertain impact on protein function. There is no indication that this variant causes disease, but the evidence is insufficient at this time to prove that conclusively. Therefore, it has been classified as a Variant of Uncertain Significance. Algorithms developed to predict the effect of missense changes on protein structure and function do not agree on the potential impact of this missense change (SIFT: "Deleterious"; PolyPhen-2: "Probably Damaging"; Align-GVGD: "Class C15"). This variant is present in population databases (rs372368483, ExAC 0.02%) but has not been reported in the literature.

Mayo Clinic Laboratories, Mayo Clinic
Classification: Uncertain significance. Last evaluated: 2021-04-15. Review status: criteria provided, single submitter. Criteria: ACMG Guidelines, 2015. Collection method: clinical testing. Allele origin: germline.